The following is an entry in ClinVar:

NM_001042432.2(CLN3):c.-77+85G>A

Gene: CLN3 (CLN3 lysosomal/endosomal transmembrane protein, battenin; minus strand). Cytogenetic location: 16p12.1.
Variant type: single nucleotide variant.
Coding change: c.-77+85G>A on transcript NM_001042432.2 (MANE Select); 85 bases into the intron after 77 bases upstream of the start codon, G replaced by A.
Molecular consequence: intron variant. On other transcripts: 5 prime UTR variant (4).
Genome position (GRCh38, 1-based): chr16:28,491,935, C>T on the plus strand (G>A on the coding strand, the complement: CLN3 is on the minus strand). VCF-style: chr16-28491935-C-T. GRCh37 (hg19) VCF-style: chr16-28503256-C-T.
Other names: c.-176G>A (NM_000086.2); c.-317G>A (NM_001286105.2); c.-259G>A (NM_001286109.2, NM_001286110.2); c.-77+85G>A (NM_001286104.2).
Identifiers: ClinVar variation 673185 (VCV000673185.1), dbSNP rs28612835, ClinGen allele CA279788253.

ClinVar aggregate classification (germline): Benign (1 of 4 stars; one submission).

Allele frequency attached by ClinVar (database versions not stated): gnomAD 0.04627 and 0.04930; TOPMed 0.05087; 1000 Genomes Project 0.05132; 1000 Genomes Project 30x 0.05559; gnomAD exomes 0.00493.

Submission:

GeneDx
Classification: Benign. Last evaluated: 2018-06-14. Review status: criteria provided, single submitter. Criteria: GeneDx Variant Classification (06012015). Collection method: clinical testing. Allele origin: germline. Affected: yes.
Comment: This variant is considered likely benign or benign based on one or more of the following criteria: it is a conservative change, it occurs at a poorly conserved position in the protein, it is predicted to be benign by multiple in silico algorithms, and/or has population frequency not consistent with disease.